The following is an entry in ClinVar:

NM_005321.3(H1-4):c.253_254del (p.Lys85fs)

Gene: H1-4 (H1.4 linker histone, cluster member; plus strand). Cytogenetic location: 6p22.2.
Variant type: Deletion.
Coding change: c.253_254del on transcript NM_005321.3 (MANE Select); coding-DNA positions 253 to 254, 2 bases deleted (AA; older notation c.253_254delAA).
Protein change: p.Lys85fs; shifts the reading frame from lysine 85.
Molecular consequence: frameshift variant.
Genome position (GRCh38, 1-based): chr6:26,156,643-26,156,644, AA deleted. VCF-style (leftmost placement, unchanged base first): chr6-26156642-CAA-C. GRCh37 (hg19) VCF-style: chr6-26156870-CAA-C.
Other names: short protein forms K85fs.
Identifiers: ClinVar variation 3376685 (VCV003376685.2).

ClinVar aggregate classification (germline): Conflicting classifications of pathogenicity. Review status: criteria provided, conflicting classifications (1 of 4 stars). 2 submissions from 2 submitters: Likely pathogenic (1); Uncertain significance (1). Last evaluated 2022-02-02.

Conditions:
Rahman syndrome. Also called: HIST1H1E Syndrome. Identifiers: Orphanet 642763, MedGen C4479637, MONDO:0044323, OMIM 617537.
HIST1H1E-related disorders.

Submissions (2):

Victorian Clinical Genetics Services, Murdoch Childrens Research Institute
Classification: Uncertain significance for Rahman syndrome. Last evaluated: 2022-02-02. Review status: criteria provided, single submitter. Criteria: ACMG Guidelines, 2015. Collection method: clinical testing. Allele origin: germline. Inheritance: Autosomal dominant inheritance.
Comment: Based on the classification scheme VCGS_Germline_v1.3.4, this variant is classified as VUS-3A. Following criteria are met: 0105 - The mechanism of disease for this gene is not clearly established. Functional studies have shown that different frameshift variants in affected individuals, with the same shift in reading frame, lead to an abnormal stable protein with correct nuclear localisation and the ability to bind to chromatin, suggesting a dominant negative effect. Another frameshift variant that causes a different reading frame and predicted to result in a protein extension had compromised chromatin binding, but this variant has not been reported in affected individuals (PMID: 31447100). Further studies are required to establish the disease mechanism of this gene. (I) 0107 - This gene is associated with autosomal dominant disease. (I) 0204 - Variant is predicted to result in a truncated protein (premature termination codon is NOT located at least 54 nucleotides upstream of the final exon-exon junction) with at least 1/3 of the protein sequence affected. (SP) 0251 - This variant is heterozygous. (I) 0301 - Variant is absent from gnomAD (both v2 and v3). (SP) 0600 - Variant is predicted to truncate part of the globular domain and the entire C-terminal domain (PMID: 31447100). (I) 0705 - No comparable truncating variants have previous evidence for pathogenicity. The previously reported pathogenic frameshift variants were found to cluster in a 94 base pair region of the C terminal and share an identical 38 amino acid tail, the result of the same shift in the reading frame (ClinVar, PMID: 28475857, PMID: 31400068, PMID: 31447100). This variant is predicted to result in a truncated protein that lacks this 38 amino acid tail. Another frameshift variant predicted to result in a protein extension has been reported as likely pathogenic in ClinVar. (I) 0807 - This variant has no previous evidence of pathogenicity. (I) 0905 - No published segregation evidence has been identified for this variant. (I) 1007 - No published functional evidence has been identified for this variant. (I) Legend: (SP) - Supporting pathogenic, (I) - Information, (SB) - Supporting benign

Blueprint Genetics
Classification: Likely pathogenic for HIST1H1E-related disorders. Last evaluated: 2018-11-16. Review status: criteria provided, single submitter. Criteria: ACMG Guidelines, 2015. Collection method: clinical testing. Allele origin: germline. Affected: yes. Observed: 1 variant allele.

Literature cited by the submitters: PubMed 28475857 (cited by Victorian Clinical Genetics Services, Murdoch Childrens Research Institute); PubMed 31400068 (cited by Victorian Clinical Genetics Services, Murdoch Childrens Research Institute); PubMed 31447100 (cited by Victorian Clinical Genetics Services, Murdoch Childrens Research Institute).